The following is an entry in ClinVar:

ClinVar aggregate classification (germline): Uncertain significance. Review status: criteria provided, multiple submitters, no conflicts (2 of 4 stars). 3 submissions from 3 submitters: Uncertain significance (2). 1 of the submissions does not count toward it. Last evaluated 2025-11-12.

Conditions:
Hereditary cancer-predisposing syndrome. Also called: Hereditary neoplastic syndrome; Neoplastic Syndromes, Hereditary; Tumor predisposition; Hereditary Cancer Syndrome. Identifiers: Orphanet 140162, MedGen C0027672, MeSH D009386, MONDO:0015356.
Fanconi anemia complementation group C (FANCC). Also called: Fanconi anemia, group C; FANCONI PANCYTOPENIA, TYPE 3; FACC; FANCC-Related Fanconi Anemia. Identifiers: Orphanet 84, MedGen C3468041, MONDO:0009213, OMIM 227645.

Allele frequency attached by ClinVar (database versions not stated): gnomAD exomes below 0.00001 and 0.00001.
gnomAD v4.1: 3 of 1,610,534 alleles (0.00019%); highest among the groups gnomAD compares: Admixed American, 0.0033%; no homozygotes.

Submissions (3):

Ambry Genetics
Classification: Uncertain significance for Hereditary cancer-predisposing syndrome. Last evaluated: 2025-11-12. Review status: criteria provided, single submitter. Criteria: Ambry Variant Classification Scheme 2023. Collection method: clinical testing. Allele origin: germline.
Comment: The p.L122F variant (also known as c.364C>T), located in coding exon 4 of the FANCC gene, results from a C to T substitution at nucleotide position 364. The leucine at codon 122 is replaced by phenylalanine, an amino acid with highly similar properties. This amino acid position is highly conserved in available vertebrate species. In addition, this alteration is predicted to be tolerated by in silico analysis. Since supporting evidence is limited at this time, the clinical significance of this alteration remains unclear.

GeneDx
Classification: Uncertain significance. Last evaluated: 2017-01-12. Review status: criteria provided, single submitter. Criteria: GeneDx Variant Classification (06012015). Collection method: clinical testing. Allele origin: germline. Affected: yes.
Comment: of This variant is denoted FANCC c.364C>T at the cDNA level, p.Leu122Phe (L122F) at the protein level, and results in the change of a Leucine to a Phenylalanine (CTT>TTT). This variant has not, to our knowledge, been published in the literature as pathogenic or benign. FANCC Leu122Phe was not observed in approximately 6,500 individuals of European and African American ancestry in the NHLBI Exome Sequencing Project, suggesting it is not a common benign variant in these populations. Since Leucine and Phenylalanine share similar properties, this is considered a conservative amino acid substitution. FANCC Leu122Phe occurs at a position that is conserved across species and is located in the regions of interaction with Hsp70, GRP94, RED and FAZF (Gordon 2000). In silico analyses are inconsistent regarding the effect this variant may have on protein structure and function. Based on currently available evidence, it is unclear whether FANCC Leu122Phe is a pathogenic or benign variant. We consider it to be a variant of uncertain significance.

Natera, Inc.
Classification: Uncertain significance for Fanconi anemia, group C. Last evaluated: 2020-09-16. Review status: no assertion criteria provided. Collection method: clinical testing. Allele origin: germline. Not counted in ClinVar's aggregate classification.

NM_000136.3(FANCC):c.364C>T (p.Leu122Phe)

Gene: FANCC (FA complementation group C; minus strand). Cytogenetic location: 9q22.32.
Variant type: single nucleotide variant.
Coding change: c.364C>T on transcript NM_000136.3 (MANE Select); coding-DNA position 364, C replaced by T.
Protein change: p.Leu122Phe; replaces leucine 122 with phenylalanine.
Molecular consequence: missense variant.
Genome position (GRCh38, 1-based): chr9:95,172,129, G>A on the plus strand (C>T on the coding strand, the complement: FANCC is on the minus strand). VCF-style: chr9-95172129-G-A. GRCh37 (hg19) VCF-style: chr9-97934411-G-A.
Other names: c.364C>T, p.Leu122Phe (NM_001243743.2, NM_001243744.2); short protein forms L122F.
Identifiers: ClinVar variation 422994 (VCV000422994.6), dbSNP rs1064796148, ClinGen allele CA16618891.
Genomic context (GRCh38, chr9:95,172,129, plus strand): 5'-GTGCATACCCAAGACCTTGAGTGAAAAGAGCAACTTCTTTATCAAATCTGAGTGCTGAAA[G>A]TATATGAGATAATACACCCTAAAAAACATAAACAGAAAAAGTTAACTTCTTTAAAAGTAA-3'
Protein context (NP_000127.2, residues 112-132): SWIQGVLSHI[Leu122Phe]SALRFDKEVA